The following is an entry in ClinVar:

ClinVar aggregate classification (germline): Uncertain significance (1 of 4 stars; one submission).

Submission:

Labcorp Genetics (formerly Invitae), Labcorp
Classification: Uncertain significance. Last evaluated: 2025-11-15. Review status: criteria provided, single submitter. Criteria: Invitae Variant Classification Sherloc (09022015). Collection method: clinical testing. Allele origin: germline.
Comment: This sequence change falls in intron 16 of the CAMK2B gene. It does not directly change the encoded amino acid sequence of the CAMK2B protein. It affects a nucleotide within the consensus splice site. Information on the frequency of this variant in the gnomAD database is not available, as this variant may be reported differently in the database. This variant has not been reported in the literature in individuals affected with CAMK2B-related conditions. Variants that disrupt the consensus splice site are a relatively common cause of aberrant splicing (PMID: 17576681, 9536098). Experimental studies and prediction algorithms are not available or were not evaluated, and the effect of this variant on mRNA splicing is currently unknown. In summary, the available evidence is currently insufficient to determine the role of this variant in disease. Therefore, it has been classified as a Variant of Uncertain Significance.

Literature cited by the submitters: PubMed 17576681; PubMed 9536098.

NM_001220.5(CAMK2B):c.1176+6_1176+7delinsTT

Gene: CAMK2B (calcium/calmodulin dependent protein kinase II beta; minus strand). Cytogenetic location: 7p13.
Variant type: Indel.
Coding change: c.1176+6_1176+7delinsTT on transcript NM_001220.5 (MANE Select); bases 6 to 7 of the intron after coding-DNA position 1176, GC replaced by TT.
Molecular consequence: intron variant.
Genome position (GRCh38, 1-based): chr7:44,232,815-44,232,816, GC replaced by AA on the plus strand (GC replaced by TT on the coding strand, the reverse complement: CAMK2B is on the minus strand). VCF-style: chr7-44232815-GC-AA. GRCh37 (hg19) VCF-style: chr7-44272414-GC-AA.
Other names: c.946+7891_946+7892delinsTT (NM_172084.3); c.1101+6_1101+7delinsTT (NM_172080.3); c.988-1762_988-1761delinsTT (NM_172083.3); c.1059+1574_1059+1575delinsTT (NM_172081.3); c.1104+6_1104+7delinsTT (NM_172079.3, NM_172082.3); c.1176+6_1176+7delinsTT (NM_001293170.2, NM_172078.3).
Identifiers: ClinVar variation 4730772 (VCV004730772.1).